The following is an entry in ClinVar:

ClinVar aggregate classification (germline): Pathogenic (1 of 4 stars; one submission).

gnomAD v4.1: 1 of 1,613,120 alleles (0.000062%); highest among the groups gnomAD compares: Non-Finnish European, 0.000085%; no homozygotes.

Submission:

Labcorp Genetics (formerly Invitae), Labcorp
Classification: Pathogenic. Last evaluated: 2025-01-28. Review status: criteria provided, single submitter. Criteria: Invitae Variant Classification Sherloc (09022015). Collection method: clinical testing. Allele origin: germline.
Comment: This sequence change creates a premature translational stop signal (p.Gln921*) in the SKIV2L gene. It is expected to result in an absent or disrupted protein product. Loss-of-function variants in SKIV2L are known to be pathogenic (PMID: 22444670). This variant is not present in population databases (gnomAD no frequency). This variant has not been reported in the literature in individuals affected with SKIV2L-related conditions. For these reasons, this variant has been classified as Pathogenic.

Literature cited by the submitters: PubMed 22444670.

NM_006929.5(SKIC2):c.2761C>T (p.Gln921Ter)

Gene: SKIC2 (SKI2 subunit of superkiller complex; plus strand). Cytogenetic location: 6p21.33.
Variant type: single nucleotide variant.
Coding change: c.2761C>T on transcript NM_006929.5 (MANE Select); coding-DNA position 2761, C replaced by T.
Protein change: p.Gln921Ter; replaces glutamine 921 with a stop codon.
Molecular consequence: nonsense.
Genome position (GRCh38, 1-based): chr6:31,967,985, C>T. VCF-style: chr6-31967985-C-T. GRCh37 (hg19) VCF-style: chr6-31935762-C-T.
Other names: short protein forms Q921*.
Identifiers: ClinVar variation 3729425 (VCV003729425.2).
Genomic context (GRCh38, chr6:31,967,985, plus strand): 5'-CAATGTCTGCCCTGCTCTCCCCTTTTCACAGGGCCTTGTGACCACACCGTGGTCAAGCTC[C>T]AGCCAGGAGATATGGCTGCCATCACCACCAAGGTGCTCCGGGTGAATGGGGAGAAGATCT-3'